The following is an entry in ClinVar:

ClinVar aggregate classification (germline): Uncertain significance (1 of 4 stars; one submission).

Submission:

Ambry Genetics
Classification: Uncertain significance. Last evaluated: 2025-07-16. Review status: criteria provided, single submitter. Criteria: Ambry Variant Classification Scheme 2023. Collection method: clinical testing. Allele origin: germline.
Comment: The p.F13L variant (also known as c.39T>A), located in coding exon 1 of the FAM175A gene, results from a T to A substitution at nucleotide position 39. The phenylalanine at codon 13 is replaced by leucine, an amino acid with highly similar properties. This amino acid position is conserved. In addition, this alteration is predicted to be tolerated by in silico analysis. Based on the available evidence, the clinical significance of this variant remains unclear.

NM_139076.3(ABRAXAS1):c.39T>A (p.Phe13Leu)

Genes: ABRAXAS1 (abraxas 1, BRCA1 A complex subunit; minus strand), LOC129992784 (ATAC-STARR-seq lymphoblastoid silent region 15542; plus strand). Cytogenetic location: 4q21.23.
Variant type: single nucleotide variant.
Coding change: c.39T>A on transcript NM_139076.3 (MANE Select); coding-DNA position 39, T replaced by A.
Protein change: p.Phe13Leu; replaces phenylalanine 13 with leucine.
Molecular consequence: missense variant. On other transcripts: 5 prime UTR variant (1).
Genome position (GRCh38, 1-based): chr4:83,485,034, A>T on the plus strand (T>A on the coding strand, the complement: ABRAXAS1 is on the minus strand). VCF-style: chr4-83485034-A-T. GRCh37 (hg19) VCF-style: chr4-84406187-A-T.
Other names: c.-222T>A (NM_001345962.2); short protein forms F13L.
Identifiers: ClinVar variation 4185547 (VCV004185547.1).